The following is an entry in ClinVar:

NM_000843.4(GRM6):c.1383C>T (p.Asn461=)

Genes: GRM6 (glutamate metabotropic receptor 6; minus strand), ZNF454 (zinc finger protein 454; plus strand). Cytogenetic location: 5q35.3.
Variant type: single nucleotide variant.
Coding change: c.1383C>T on transcript NM_000843.4 (MANE Select); coding-DNA position 1383, C replaced by T.
Protein change: p.Asn461=; no amino-acid change (asparagine 461 retained).
Molecular consequence: synonymous variant.
Genome position (GRCh38, 1-based): chr5:178,986,955, G>A on the plus strand (C>T on the coding strand, the complement: GRM6 is on the minus strand). VCF-style: chr5-178986955-G-A. GRCh37 (hg19) VCF-style: chr5-178413956-G-A.
Other names: c.1383C>T (NM_000843.3).
Identifiers: ClinVar variation 1167853 (VCV001167853.11), dbSNP rs143351800, ClinGen allele CA3594068.
Genomic context (GRCh38, chr5:178,986,955, plus strand): 5'-ACTGCCATTGGTCGCCTGGTACTGGAAGATGTCGTACCGCCCGGGCGCATCTCCGTTCTC[G>A]TTGAACATCACAGGGGTTCCTGCGCTGCCTGGAGAGAGAGTCCGTCATCCTCGGTGGTCC-3'
Protein context (NP_000834.2, residues 451-471): NGSAGTPVMF[Asn461=]ENGDAPGRYD

ClinVar aggregate classification (germline): Benign/Likely benign. Review status: criteria provided, multiple submitters, no conflicts (2 of 4 stars). 3 submissions from 3 submitters: Benign (1); Likely benign (2). Last evaluated 2026-06-28.

Conditions:
GRM6-related disorder. Also called: GRM6-related condition.

Allele frequency attached by ClinVar (database versions not stated): ESP Exome Variant Server 0.00015; gnomAD 0.00026 and 0.00035; TOPMed 0.00039; ExAC 0.00040; gnomAD exomes 0.00041; 1000 Genomes Project 30x 0.00078; 1000 Genomes Project 0.00100.
gnomAD v4.1: 640 of 1,613,980 alleles (0.04%); highest among the groups gnomAD compares: East Asian, 0.11%; no homozygotes.

Submissions (3):

PreventionGenetics, part of Exact Sciences
Classification: Likely benign for GRM6-related condition. Last evaluated: 2026-06-28. Review status: criteria provided, single submitter. Criteria: ACMG Guidelines, 2015. Collection method: clinical testing. Allele origin: germline.
Comment: This variant is classified as likely benign based on ACMG/AMP sequence variant interpretation guidelines (Richards et al. 2015 PMID: 25741868, with internal and published modifications).

Labcorp Genetics (formerly Invitae), Labcorp
Classification: Benign. Last evaluated: 2025-11-01. Review status: criteria provided, single submitter. Criteria: Invitae Variant Classification Sherloc (09022015). Collection method: clinical testing. Allele origin: germline.

Blueprint Genetics
Classification: Likely benign. Last evaluated: 2024-11-21. Review status: criteria provided, single submitter. Criteria: ACMG Guidelines, 2015. Collection method: clinical testing. Allele origin: germline.